The following is an entry in ClinVar:

NM_001277115.2(DNAH11):c.11165T>C (p.Leu3722Pro)

Gene: DNAH11 (dynein axonemal heavy chain 11; plus strand). Cytogenetic location: 7p15.3.
Variant type: single nucleotide variant.
Coding change: c.11165T>C on transcript NM_001277115.2 (MANE Select); coding-DNA position 11165, T replaced by C.
Protein change: p.Leu3722Pro; replaces leucine 3722 with proline.
Molecular consequence: missense variant.
Genome position (GRCh38, 1-based): chr7:21,854,418, T>C. VCF-style: chr7-21854418-T-C. GRCh37 (hg19) VCF-style: chr7-21894036-T-C.
Other names: short protein forms L3722P.
Identifiers: ClinVar variation 410870 (VCV000410870.14), dbSNP rs1060503064, ClinGen allele CA16612187.
Genomic context (GRCh38, chr7:21,854,418, plus strand): 5'-GAGAATGTTACAGACCAGTGGCAGCAAGAGCATCTCTTCTTTATTTTGTTATTAATGACC[T>C]CCAAAAAATCAACCCCCTCTACCAATTCTCTTTGAAGGTAATGCTGAATGAGCTAAGAAA-3'
Protein context (NP_001264044.1, residues 3712-3732): ASLLYFVIND[Leu3722Pro]QKINPLYQFS

ClinVar aggregate classification (germline): Likely pathogenic. Review status: criteria provided, multiple submitters, no conflicts (2 of 4 stars). 2 submissions from 2 submitters: Likely pathogenic (2). Last evaluated 2025-10-23.

Conditions:
Primary ciliary dyskinesia. Also called: Ciliary dyskinesia. Identifiers: Orphanet 244, MedGen C0008780, MONDO:0016575, HP:0012265.
Primary ciliary dyskinesia 7. Also called: CILIARY DYSKINESIA, PRIMARY, 7, WITH OR WITHOUT SITUS INVERSUS. Identifiers: Orphanet 244, MedGen C2678473, MONDO:0012748, OMIM 611884.

Allele frequency attached by ClinVar (database versions not stated): TOPMed below 0.00001.

Submissions (2):

Women's Health and Genetics/Laboratory Corporation of America, LabCorp
Classification: Likely pathogenic for Primary ciliary dyskinesia 7. Last evaluated: 2025-10-23. Review status: criteria provided, single submitter. Criteria: LabCorp Variant Classification Summary - May 2015. Collection method: clinical testing. Allele origin: germline.
Comment: Variant summary: DNAH11 c.11165T>C (p.Leu3722Pro) results in a non-conservative amino acid change in the encoded protein sequence. Algorithms developed to predict the effect of missense changes on protein structure and function all suggest that this variant is likely to be disruptive. The variant was absent in 249058 control chromosomes. c.11165T>C has been observed in individual(s) affected with Primary Ciliary Dyskinesia 7 (internal data). These data indicate that the variant may be associated with disease. To our knowledge, no experimental evidence demonstrating an impact on protein function has been reported. ClinVar contains an entry for this variant (Variation ID: 410870). Based on the evidence outlined above, the variant was classified as likely pathogenic.

Labcorp Genetics (formerly Invitae), Labcorp
Classification: Likely pathogenic for Primary ciliary dyskinesia. Last evaluated: 2022-07-09. Review status: criteria provided, single submitter. Criteria: Invitae Variant Classification Sherloc (09022015). Collection method: clinical testing. Allele origin: germline.
Comment: This sequence change replaces leucine, which is neutral and non-polar, with proline, which is neutral and non-polar, at codon 3722 of the DNAH11 protein (p.Leu3722Pro). This variant is not present in population databases (gnomAD no frequency). This missense change has been observed in individual(s) with primary ciliary dyskinesia (Invitae). ClinVar contains an entry for this variant (Variation ID: 410870). Algorithms developed to predict the effect of missense changes on protein structure and function (SIFT, PolyPhen-2, Align-GVGD) all suggest that this variant is likely to be disruptive. In summary, the currently available evidence indicates that the variant is pathogenic, but additional data are needed to prove that conclusively. Therefore, this variant has been classified as Likely Pathogenic.